The following is an entry in ClinVar:

NM_001164665.2(KIAA1549):c.1933C>T (p.Pro645Ser)

Gene: KIAA1549 (KIAA1549; minus strand). Cytogenetic location: 7q34.
Variant type: single nucleotide variant.
Coding change: c.1933C>T on transcript NM_001164665.2 (MANE Select); coding-DNA position 1933, C replaced by T.
Protein change: p.Pro645Ser; replaces proline 645 with serine.
Molecular consequence: missense variant.
Genome position (GRCh38, 1-based): chr7:138,917,693, G>A on the plus strand (C>T on the coding strand, the complement: KIAA1549 is on the minus strand). VCF-style: chr7-138917693-G-A. GRCh37 (hg19) VCF-style: chr7-138602439-G-A.
Other names: c.1933C>T, p.Pro645Ser (NM_020910.3); short protein forms P645S.
Identifiers: ClinVar variation 1060031 (VCV001060031.9), dbSNP rs959892003, ClinGen allele CA167163603.

ClinVar aggregate classification (germline): Uncertain significance (1 of 4 stars; one submission).

Allele frequency attached by ClinVar (database versions not stated): gnomAD 0.00001; TOPMed 0.00001.

Submission:

Labcorp Genetics (formerly Invitae), Labcorp
Classification: Uncertain significance. Last evaluated: 2022-03-03. Review status: criteria provided, single submitter. Criteria: Invitae Variant Classification Sherloc (09022015). Collection method: clinical testing. Allele origin: germline.
Comment: This sequence change replaces proline, which is neutral and non-polar, with serine, which is neutral and polar, at codon 645 of the KIAA1549 protein (p.Pro645Ser). This variant is present in population databases (no rsID available, gnomAD 0.004%). This variant has not been reported in the literature in individuals affected with KIAA1549-related conditions. ClinVar contains an entry for this variant (Variation ID: 1060031). Algorithms developed to predict the effect of missense changes on protein structure and function (SIFT, PolyPhen-2, Align-GVGD) all suggest that this variant is likely to be tolerated. In summary, the available evidence is currently insufficient to determine the role of this variant in disease. Therefore, it has been classified as a Variant of Uncertain Significance.